The following is an entry in ClinVar:

NM_017415.3(KLHL3):c.1697T>C (p.Leu566Pro)

Gene: KLHL3 (kelch like family member 3; minus strand). Cytogenetic location: 5q31.2.
Variant type: single nucleotide variant.
Coding change: c.1697T>C on transcript NM_017415.3 (MANE Select); coding-DNA position 1697, T replaced by C.
Protein change: p.Leu566Pro; replaces leucine 566 with proline.
Molecular consequence: missense variant.
Genome position (GRCh38, 1-based): chr5:137,625,791, A>G on the plus strand (T>C on the coding strand, the complement: KLHL3 is on the minus strand). VCF-style: chr5-137625791-A-G. GRCh37 (hg19) VCF-style: chr5-136961480-A-G.
Other names: c.1601T>C, p.Leu534Pro (NM_001257194.1); c.1451T>C, p.Leu484Pro (NM_001257195.2); short protein forms L534P, L484P, L566P.
Identifiers: ClinVar variation 3688886 (VCV003688886.2).

ClinVar aggregate classification (germline): Uncertain significance (1 of 4 stars; one submission).

Submission:

Labcorp Genetics (formerly Invitae), Labcorp
Classification: Uncertain significance. Last evaluated: 2025-04-05. Review status: criteria provided, single submitter. Criteria: Invitae Variant Classification Sherloc (09022015). Collection method: clinical testing. Allele origin: germline.
Comment: This sequence change replaces leucine, which is neutral and non-polar, with proline, which is neutral and non-polar, at codon 566 of the KLHL3 protein (p.Leu566Pro). This variant is not present in population databases (gnomAD no frequency). This variant has not been reported in the literature in individuals affected with KLHL3-related conditions. ClinVar contains an entry for this variant (Variation ID: 3688886). Invitae Evidence Modeling of protein sequence and biophysical properties (such as structural, functional, and spatial information, amino acid conservation, physicochemical variation, residue mobility, and thermodynamic stability) indicates that this missense variant is not expected to disrupt KLHL3 protein function with a negative predictive value of 80%. In summary, the available evidence is currently insufficient to determine the role of this variant in disease. Therefore, it has been classified as a Variant of Uncertain Significance.